The following is an entry in ClinVar:

ClinVar aggregate classification (germline): Pathogenic/Likely pathogenic. Review status: criteria provided, multiple submitters, no conflicts (2 of 4 stars). 5 submissions from 5 submitters: Pathogenic (2); Likely pathogenic (3). Last evaluated 2025-09-21.

Conditions:
Hereditary cancer-predisposing syndrome. Also called: Hereditary Cancer Syndrome; Hereditary neoplastic syndrome; Neoplastic Syndromes, Hereditary; Tumor predisposition. Identifiers: Orphanet 140162, MedGen C0027672, MeSH D009386, MONDO:0015356.
Familial cancer of breast. Also called: Hereditary breast cancer; hereditary breast carcinoma; BREAST CANCER, FAMILIAL. Identifiers: Orphanet 227535, MedGen C0346153, MONDO:0016419, OMIM 114480. Disease mechanism: loss of function.
Ataxia-telangiectasia syndrome (AT). Also called: Ataxia-telangiectasia, complementation group E; Ataxia telangiectasia (A-T); LOUIS-BAR SYNDROME; Ataxia-telangiectasia, complementation group D; AT, COMPLEMENTATION GROUP C; ATAXIA-TELANGIECTASIA, COMPLEMENTATION GROUP A. Identifiers: Orphanet 100, MedGen C0004135, MONDO:0008840, OMIM 208900.
Familial prostate cancer. Also called: Hereditary Prostate Cancer. Identifiers: MedGen C2931456, MONDO:0700275, OMIM 176807.

Submissions (5):

Labcorp Genetics (formerly Invitae), Labcorp
Classification: Pathogenic for Ataxia-telangiectasia syndrome. Last evaluated: 2025-09-21. Review status: criteria provided, single submitter. Criteria: Invitae Variant Classification Sherloc (09022015). Collection method: clinical testing. Allele origin: germline.
Comment: This sequence change creates a premature translational stop signal (p.Glu1664*) in the ATM gene. It is expected to result in an absent or disrupted protein product. Loss-of-function variants in ATM are known to be pathogenic (PMID: 23807571, 25614872). This variant is not present in population databases (gnomAD no frequency). This variant has not been reported in the literature in individuals affected with ATM-related conditions. ClinVar contains an entry for this variant (Variation ID: 825347). Algorithms developed to predict the effect of sequence changes on RNA splicing suggest that this variant may disrupt the consensus splice site. For these reasons, this variant has been classified as Pathogenic.

Fulgent Genetics
Classification: Likely pathogenic for Familial cancer of breast; Ataxia-telangiectasia syndrome. Last evaluated: 2024-05-17. Review status: criteria provided, single submitter. Criteria: ACMG Guidelines, 2015. Collection method: clinical testing. Allele origin: germline.

Women's Health and Genetics/Laboratory Corporation of America, LabCorp
Classification: Likely pathogenic for Familial prostate cancer. Last evaluated: 2022-05-24. Review status: criteria provided, single submitter. Criteria: LabCorp Variant Classification Summary - May 2015. Collection method: clinical testing. Allele origin: germline.
Comment: Variant summary: ATM c.4990G>T (p.Glu1664X) results in a premature termination codon, predicted to cause a truncation of the encoded protein or absence of the protein due to nonsense mediated decay, which are commonly known mechanisms for disease. Truncations downstream of this position have been classified as pathogenic by our laboratory. The variant was absent in 250852 control chromosomes. To our knowledge, no occurrence of c.4990G>T in individuals affected with ATM-related conditions and no experimental evidence demonstrating its impact on protein function have been reported. Two clinical diagnostic laboratories have submitted clinical-significance assessments for this variant to ClinVar after 2014 and classified the variant as pathogenic. Based on the evidence outlined above, the variant was classified as likely pathogenic.

GeneDx
Classification: Likely pathogenic. Last evaluated: 2022-01-21. Review status: criteria provided, single submitter. Criteria: GeneDx Variant Classification Process June 2021. Collection method: clinical testing. Allele origin: germline. Affected: yes.
Comment: Nonsense variant predicted to result in protein truncation or nonsense mediated decay in a gene for which loss-of-function is a known mechanism of disease; Not observed at significant frequency in large population cohorts (gnomAD); Has not been previously published as pathogenic or benign to our knowledge

Ambry Genetics
Classification: Pathogenic for Hereditary cancer-predisposing syndrome. Last evaluated: 2019-02-15. Review status: criteria provided, single submitter. Criteria: Ambry Variant Classification Scheme 2023. Collection method: clinical testing. Allele origin: germline.
Comment: The p.E1664* pathogenic mutation (also known as c.4990G>T), located in coding exon 32 of the ATM gene, results from a G to T substitution at nucleotide position 4990. This changes the amino acid from a glutamic acid to a stop codon within coding exon 32. This alteration is expected to result in loss of function by premature protein truncation or nonsense-mediated mRNA decay. As such, this alteration is interpreted as a disease-causing mutation.

Literature cited by the submitters: PubMed 23807571 (cited by Labcorp Genetics (formerly Invitae), Labcorp); PubMed 25614872 (cited by Labcorp Genetics (formerly Invitae), Labcorp).

NM_000051.4(ATM):c.4990G>T (p.Glu1664Ter)

Gene: ATM (ATM serine/threonine kinase; plus strand). Cytogenetic location: 11q22.3.
Variant type: single nucleotide variant.
Coding change: c.4990G>T on transcript NM_000051.4 (MANE Select); coding-DNA position 4990, G replaced by T.
Protein change: p.Glu1664Ter; replaces glutamic acid 1664 with a stop codon.
Molecular consequence: nonsense.
Genome position (GRCh38, 1-based): chr11:108,297,367, G>T. VCF-style: chr11-108297367-G-T. GRCh37 (hg19) VCF-style: chr11-108168094-G-T.
Other names: c.4990G>T, p.Glu1664Ter (NM_001351834.2); short protein forms E1664*.
Identifiers: ClinVar variation 825347 (VCV000825347.15), dbSNP rs1555103301, ClinGen allele CA382538516.